The following is an entry in ClinVar:

NM_018834.6(MATR3):c.1235G>A (p.Arg412Lys)

Gene: MATR3 (matrin 3; plus strand). Cytogenetic location: 5q31.2.
Variant type: single nucleotide variant.
Coding change: c.1235G>A on transcript NM_018834.6 (MANE Select); coding-DNA position 1235, G replaced by A.
Protein change: p.Arg412Lys; replaces arginine 412 with lysine.
Molecular consequence: missense variant.
Genome position (GRCh38, 1-based): chr5:139,317,648, G>A. VCF-style: chr5-139317648-G-A. GRCh37 (hg19) VCF-style: chr5-138653337-G-A.
Other names: c.1235G>A, p.Arg412Lys (NM_001194954.2, NM_001194955.2, NM_199189.3); c.371G>A, p.Arg124Lys (NM_001194956.2); c.221G>A, p.Arg74Lys (NM_001282278.2); short protein forms R74K, R124K, R412K.
Identifiers: ClinVar variation 904538 (VCV000904538.12), dbSNP rs1291862870, ClinGen allele CA361139928.

ClinVar aggregate classification (germline): Uncertain significance. Review status: criteria provided, multiple submitters, no conflicts (2 of 4 stars). 3 submissions from 3 submitters: Uncertain significance (3). Last evaluated 2025-11-19.

Conditions:
Amyotrophic lateral sclerosis type 21. Also called: VOCAL CORD AND PHARYNGEAL DYSFUNCTION WITH DISTAL MYOPATHY; MYOPATHY, DISTAL, 2. Identifiers: Orphanet 600, Orphanet 803, MedGen C3807521, MONDO:0011632, OMIM 606070.
Inborn genetic diseases. Identifiers: MedGen C0950123, MeSH D030342.

Allele frequency attached by ClinVar (database versions not stated): gnomAD 0.00001; gnomAD exomes 0.00001; TOPMed 0.00002.
gnomAD v4.1: 21 of 1,611,522 alleles (0.0013%); highest among the groups gnomAD compares: Admixed American, 0.0017%; no homozygotes.

Submissions (3):

Ambry Genetics
Classification: Uncertain significance for Inborn genetic diseases. Last evaluated: 2025-11-19. Review status: criteria provided, single submitter. Criteria: Ambry Variant Classification Scheme 2023. Collection method: clinical testing. Allele origin: germline.

Labcorp Genetics (formerly Invitae), Labcorp
Classification: Uncertain significance for Amyotrophic lateral sclerosis type 21. Last evaluated: 2023-06-10. Review status: criteria provided, single submitter. Criteria: Invitae Variant Classification Sherloc (09022015). Collection method: clinical testing. Allele origin: germline.
Comment: ClinVar contains an entry for this variant (Variation ID: 904538). Advanced modeling of protein sequence and biophysical properties (such as structural, functional, and spatial information, amino acid conservation, physicochemical variation, residue mobility, and thermodynamic stability) performed at Invitae indicates that this missense variant is not expected to disrupt MATR3 protein function. In summary, the available evidence is currently insufficient to determine the role of this variant in disease. Therefore, it has been classified as a Variant of Uncertain Significance. This variant has not been reported in the literature in individuals affected with MATR3-related conditions. This sequence change replaces arginine, which is basic and polar, with lysine, which is basic and polar, at codon 412 of the MATR3 protein (p.Arg412Lys). This variant is not present in population databases (gnomAD no frequency).

Illumina Laboratory Services, Illumina
Classification: Uncertain significance for Amyotrophic lateral sclerosis type 21. Last evaluated: 2018-01-12. Review status: criteria provided, single submitter. Criteria: ICSL Variant Classification Criteria 13 December 2019. Collection method: clinical testing. Allele origin: germline.